The following is an entry in ClinVar:

ClinVar aggregate classification (germline): Benign/Likely benign. Review status: criteria provided, multiple submitters, no conflicts (2 of 4 stars). 4 submissions from 4 submitters: Benign (1); Likely benign (2). 1 of the submissions does not count toward it. Last evaluated 2026-01-25.

Conditions:
Inborn genetic diseases. Identifiers: MedGen C0950123, MeSH D030342.
FTSJ1-related disorder. Also called: FTSJ1-related condition.

Allele frequency attached by ClinVar (database versions not stated): 1000 Genomes Project 30x 0.00083; TOPMed 0.00094; 1000 Genomes Project 0.00106; gnomAD 0.00121; ESP Exome Variant Server 0.00151.
gnomAD v4.1: 2,007 of 1,200,567 alleles (0.17%); highest among the groups gnomAD compares: Non-Finnish European, 0.2%; 1 homozygote.

Submissions (4):

Labcorp Genetics (formerly Invitae), Labcorp
Classification: Benign. Last evaluated: 2026-01-25. Review status: criteria provided, single submitter. Criteria: Invitae Variant Classification Sherloc (09022015). Collection method: clinical testing. Allele origin: germline.

Blueprint Genetics
Classification: Likely benign. Last evaluated: 2024-11-28. Review status: criteria provided, single submitter. Criteria: ACMG Guidelines, 2015. Collection method: clinical testing. Allele origin: germline.

Ambry Genetics
Classification: Likely benign for Inborn genetic diseases. Last evaluated: 2014-08-18. Review status: criteria provided, single submitter. Criteria: Ambry Variant Classification Scheme 2023. Collection method: clinical testing. Allele origin: germline.

PreventionGenetics, part of Exact Sciences
Classification: Benign for FTSJ1-related condition. Last evaluated: 2019-10-28. Review status: no assertion criteria provided. Collection method: clinical testing. Allele origin: germline. Not counted in ClinVar's aggregate classification.
Comment: This variant is classified as benign based on ACMG/AMP sequence variant interpretation guidelines (Richards et al. 2015 PMID: 25741868, with internal and published modifications).

NM_012280.4(FTSJ1):c.738G>A (p.Ser246=)

Gene: FTSJ1 (FtsJ RNA 2'-O-methyltransferase 1; plus strand). Cytogenetic location: Xp11.23.
Variant type: single nucleotide variant.
Coding change: c.738G>A on transcript NM_012280.4 (MANE Select); coding-DNA position 738, G replaced by A.
Protein change: p.Ser246=; no amino-acid change (serine 246 retained).
Molecular consequence: synonymous variant.
Genome position (GRCh38, 1-based): chrX:48,482,485, G>A. VCF-style: chrX-48482485-G-A. GRCh37 (hg19) VCF-style: chrX-48340873-G-A.
Other names: c.327G>A, p.Ser109= (NM_001282157.2); c.732G>A, p.Ser244= (NM_177439.3).
Identifiers: ClinVar variation 588358 (VCV000588358.13), dbSNP rs140074225, ClinGen allele CA10402621.